The following is an entry in ClinVar:

NM_001370466.1(NOD2):c.2802-2A>G

Gene: NOD2 (nucleotide binding oligomerization domain containing 2; plus strand). Cytogenetic location: 16q12.1.
Variant type: single nucleotide variant.
Coding change: c.2802-2A>G on transcript NM_001370466.1 (MANE Select); the canonical splice acceptor site of the intron before coding-DNA position 2802, A replaced by G.
Molecular consequence: splice acceptor variant.
Genome position (GRCh38, 1-based): chr16:50,725,487, A>G. VCF-style: chr16-50725487-A-G. GRCh37 (hg19) VCF-style: chr16-50759398-A-G.
Other names: c.2883-2A>G (NM_022162.3); c.2802-2A>G (NM_001293557.2).
Identifiers: ClinVar variation 1382797 (VCV001382797.13), dbSNP rs564226539, ClinGen allele CA281280594.
Genomic context (GRCh38, chr16:50,725,487, plus strand): 5'-GAGTTCATCATCTTCCATAATCAATGTTGTATCAACTGGATTTTCTCTCTTCTTCTCACC[A>G]GCCTGGAGGAGAACCATCTCCAGGATGAAGGTGTATGTTCTCTCGCAGAAGGACTGAAGA-3'

ClinVar aggregate classification (germline): Conflicting classifications of pathogenicity. Review status: criteria provided, conflicting classifications (1 of 4 stars). 4 submissions from 4 submitters: Uncertain significance (2); Likely benign (1). 1 of the submissions does not count toward it. Last evaluated 2025-12-01.

Conditions:
Blau syndrome (BLAUS). Also called: ARTHROCUTANEOUVEAL GRANULOMATOSIS; GRANULOMATOSIS, FAMILIAL JUVENILE SYSTEMIC; GRANULOMATOSIS, FAMILIAL, BLAU TYPE; GRANULOMATOUS INFLAMMATORY ARTHRITIS, DERMATITIS, AND UVEITIS, FAMILIAL; JABS SYNDROME. Identifiers: Orphanet 90340, MedGen C5201146, MONDO:0008523, OMIM 186580.
Regional enteritis. Also called: Enteritis, Granulomatous. Identifiers: MedGen C0678202, MeSH D003424.
Autoinflammatory syndrome. Identifiers: Orphanet 93665, MedGen C3890737, MONDO:0019751.

Allele frequency attached by ClinVar (database versions not stated): gnomAD 0.00001; gnomAD exomes 0.00002.
gnomAD v4.1: 27 of 1,612,398 alleles (0.0017%); highest among the groups gnomAD compares: South Asian, 0.018%; 1 homozygote.

Submissions (4):

Labcorp Genetics (formerly Invitae), Labcorp
Classification: Uncertain significance for Regional enteritis; Blau syndrome. Last evaluated: 2025-12-01. Review status: criteria provided, single submitter. Criteria: Invitae Variant Classification Sherloc (09022015). Collection method: clinical testing. Allele origin: germline.
Comment: This sequence change affects an acceptor splice site in intron 9 of the NOD2 gene. It is expected to disrupt RNA splicing. Variants that disrupt the donor or acceptor splice site typically lead to a loss of protein function (PMID: 16199547), however the current clinical and genetic evidence is not sufficient to establish whether loss-of-function variants in NOD2 cause disease. This variant is present in population databases (rs564226539, gnomAD 0.01%). This variant has not been reported in the literature in individuals affected with NOD2-related conditions. ClinVar contains an entry for this variant (Variation ID: 1382797). Algorithms developed to predict the effect of sequence changes on RNA splicing suggest that this variant may disrupt the consensus splice site. In summary, the available evidence is currently insufficient to determine the role of this variant in disease. Therefore, it has been classified as a Variant of Uncertain Significance.

Blueprint Genetics
Classification: Likely benign. Last evaluated: 2023-06-22. Review status: criteria provided, single submitter. Criteria: ACMG Guidelines, 2015. Collection method: clinical testing. Allele origin: germline.

Genome Diagnostics Laboratory, The Hospital for Sick Children
Classification: Uncertain significance for Autoinflammatory syndrome. Last evaluated: 2021-03-05. Review status: criteria provided, single submitter. Criteria: ACMG Guidelines, 2015. Collection method: clinical testing. Allele origin: germline. Affected: yes.

Dr.Nikuei Genetic Center
Classification: Likely benign for Blau syndrome. Review status: no assertion criteria provided. Collection method: clinical testing. Allele origin: germline. Inheritance: Autosomal dominant inheritance. Affected: no. Not counted in ClinVar's aggregate classification.

Literature cited by the submitters: PubMed 16199547 (cited by Labcorp Genetics (formerly Invitae), Labcorp).